The following is an entry in ClinVar:

NM_032656.4(DHX37):c.2539G>C (p.Gly847Arg)

Gene: DHX37 (DEAH-box helicase 37; minus strand). Cytogenetic location: 12q24.31.
Variant type: single nucleotide variant.
Coding change: c.2539G>C on transcript NM_032656.4 (MANE Select); coding-DNA position 2539, G replaced by C.
Protein change: p.Gly847Arg; replaces glycine 847 with arginine.
Molecular consequence: missense variant.
Genome position (GRCh38, 1-based): chr12:124,954,126, C>G on the plus strand (G>C on the coding strand, the complement: DHX37 is on the minus strand). VCF-style: chr12-124954126-C-G. GRCh37 (hg19) VCF-style: chr12-125438672-C-G.
Other names: short protein forms G847R.
Identifiers: ClinVar variation 4765066 (VCV004765066.1).

ClinVar aggregate classification (germline): Uncertain significance (1 of 4 stars; one submission).

gnomAD v4.1: 2 of 1,612,394 alleles (0.00012%); highest among the groups gnomAD compares: Non-Finnish European, 0.00017%; no homozygotes.

Submission:

Labcorp Genetics (formerly Invitae), Labcorp
Classification: Uncertain significance. Last evaluated: 2025-09-16. Review status: criteria provided, single submitter. Criteria: Invitae Variant Classification Sherloc (09022015). Collection method: clinical testing. Allele origin: germline.
Comment: This sequence change replaces glycine, which is neutral and non-polar, with arginine, which is basic and polar, at codon 847 of the DHX37 protein (p.Gly847Arg). This variant is present in population databases (rs769190348, gnomAD 0.0009%). This variant has not been reported in the literature in individuals affected with DHX37-related conditions. Invitae Evidence Modeling of protein sequence and biophysical properties (such as structural, functional, and spatial information, amino acid conservation, physicochemical variation, residue mobility, and thermodynamic stability) indicates that this missense variant is not expected to disrupt DHX37 protein function with a negative predictive value of 80%. In summary, the available evidence is currently insufficient to determine the role of this variant in disease. Therefore, it has been classified as a Variant of Uncertain Significance.